The following is an entry in ClinVar:

NM_006506.5(RASA2):c.1826+20C>T

Gene: RASA2 (RAS p21 protein activator 2; plus strand). Cytogenetic location: 3q23.
Variant type: single nucleotide variant.
Coding change: c.1826+20C>T on transcript NM_006506.5 (MANE Select); 20 bases into the intron after coding-DNA position 1826, C replaced by T.
Molecular consequence: intron variant.
Genome position (GRCh38, 1-based): chr3:141,586,118, C>T. VCF-style: chr3-141586118-C-T. GRCh37 (hg19) VCF-style: chr3-141304960-C-T.
Other names: c.1826+20C>T (NM_001303245.3, NM_001303246.3).
Identifiers: ClinVar variation 918097 (VCV000918097.10), dbSNP rs373342734, ClinGen allele CA2645625.
Genomic context (GRCh38, chr3:141,586,118, plus strand): 5'-GAGTCCAGTGGTACGAGTGAGCCTGTGCACCTGAAAGAAGGGTAATTTAATCAAATTAGA[C>T]GTGAAAGTCATATATCAGTATAGATATTAAGTAAGTACAAAGAGCGTGGGTCTAAGAGTG-3'

ClinVar aggregate classification (germline): Benign/Likely benign. Review status: criteria provided, multiple submitters, no conflicts (2 of 4 stars). 3 submissions from 3 submitters: Benign (1); Likely benign (2). Last evaluated 2026-01-28.

Allele frequency attached by ClinVar (database versions not stated): gnomAD exomes 0.00003 and 0.00010; ESP Exome Variant Server 0.00015; ExAC 0.00016; gnomAD 0.00019 and 0.00020; TOPMed 0.00019; 1000 Genomes Project 0.00060; 1000 Genomes Project 30x 0.00062.
gnomAD v4.1: 73 of 1,562,846 alleles (0.0047%); highest among the groups gnomAD compares: African/African-American, 0.049%; no homozygotes.

Submissions (3):

Labcorp Genetics (formerly Invitae), Labcorp
Classification: Likely benign. Last evaluated: 2026-01-28. Review status: criteria provided, single submitter. Criteria: Invitae Variant Classification Sherloc (09022015). Collection method: clinical testing. Allele origin: germline.

Blueprint Genetics
Classification: Likely benign. Last evaluated: 2022-08-18. Review status: criteria provided, single submitter. Criteria: ACMG Guidelines, 2015. Collection method: clinical testing. Allele origin: germline.

Women's Health and Genetics/Laboratory Corporation of America, LabCorp
Classification: Benign. Last evaluated: 2020-03-02. Review status: criteria provided, single submitter. Criteria: LabCorp Variant Classification Summary - May 2015. Collection method: clinical testing. Allele origin: germline.
Comment: Variant summary: RASA2 c.1826+20C>T alters a non-conserved nucleotide located close to a canonical splice site and therefore could affect mRNA splicing, leading to a significantly altered protein sequence. 4/4 computational tools predict no significant impact on normal splicing. However, these predictions have yet to be confirmed by functional studies. The variant allele was found at a frequency of 0.00011 in 275542 control chromosomes, predominantly at a frequency of 0.00065 within the African or African-American subpopulation in the gnomAD database. The observed variant frequency within African or African-American control individuals in the gnomAD database is approximately 130 fold of the estimated maximal expected allele frequency for a pathogenic variant in RASA2 causing Noonan Syndrome and Related Conditions phenotype (5e-06), strongly suggesting that the variant is a benign polymorphism found primarily in populations of African or African-American origin. To our knowledge, no occurrence of c.1826+20C>T in individuals affected with Noonan Syndrome and Related Conditions and no experimental evidence demonstrating its impact on protein function have been reported. No clinical diagnostic laboratories have submitted clinical-significance assessments for this variant to ClinVar after 2014. Based on the evidence outlined above, the variant was classified as benign.